The following is an entry in ClinVar:

NM_153460.4(IL17RC):c.196C>A (p.Leu66Met)

Gene: IL17RC (interleukin 17 receptor C; plus strand). Cytogenetic location: 3p25.3.
Variant type: single nucleotide variant.
Coding change: c.196C>A on transcript NM_153460.4 (MANE Select); coding-DNA position 196, C replaced by A.
Protein change: p.Leu66Met; replaces leucine 66 with methionine.
Molecular consequence: missense variant. On other transcripts: non-coding transcript variant (1).
Genome position (GRCh38, 1-based): chr3:9,917,991, C>A. VCF-style: chr3-9917991-C-A. GRCh37 (hg19) VCF-style: chr3-9959675-C-A.
Other names: c.196C>A, p.Leu66Met (NM_001203263.2, NM_001203264.2, NM_001203265.2 and 5 more transcripts); c.409C>A, p.Leu137Met (NM_153461.4); short protein forms L137M, L66M.
Identifiers: ClinVar variation 2142985 (VCV002142985.4), dbSNP rs1280932477, ClinGen allele CA351755078.

ClinVar aggregate classification (germline): Uncertain significance (1 of 4 stars; one submission).

Conditions:
Candidiasis, familial, 9 (CANDF9). Identifiers: Orphanet 1334, MedGen C4225324, MONDO:0014642, OMIM 616445.

Allele frequency attached by ClinVar (database versions not stated): TOPMed below 0.00001; gnomAD 0.00001; gnomAD exomes 0.00001.
gnomAD v4.1: 13 of 1,613,816 alleles (0.00081%); highest among the groups gnomAD compares: Non-Finnish European, 0.0011%; no homozygotes.

Submission:

Labcorp Genetics (formerly Invitae), Labcorp
Classification: Uncertain significance for Candidiasis, familial, 9. Last evaluated: 2022-10-12. Review status: criteria provided, single submitter. Criteria: Invitae Variant Classification Sherloc (09022015). Collection method: clinical testing. Allele origin: germline.
Comment: In summary, the available evidence is currently insufficient to determine the role of this variant in disease. Therefore, it has been classified as a Variant of Uncertain Significance. Algorithms developed to predict the effect of missense changes on protein structure and function output the following: SIFT: "Tolerated"; PolyPhen-2: "Benign"; Align-GVGD: "Class C0". The methionine amino acid residue is found in multiple mammalian species, which suggests that this missense change does not adversely affect protein function. This variant has not been reported in the literature in individuals affected with IL17RC-related conditions. This variant is not present in population databases (gnomAD no frequency). This sequence change replaces leucine, which is neutral and non-polar, with methionine, which is neutral and non-polar, at codon 137 of the IL17RC protein (p.Leu137Met).